The following is an entry in ClinVar:

NM_024675.4(PALB2):c.3217G>A (p.Val1073Ile)

Gene: PALB2 (partner and localizer of BRCA2; minus strand). Cytogenetic location: 16p12.2.
Variant type: single nucleotide variant.
Coding change: c.3217G>A on transcript NM_024675.4 (MANE Select); coding-DNA position 3217, G replaced by A.
Protein change: p.Val1073Ile; replaces valine 1073 with isoleucine.
Molecular consequence: missense variant.
Genome position (GRCh38, 1-based): chr16:23,607,997, C>T on the plus strand (G>A on the coding strand, the complement: PALB2 is on the minus strand). VCF-style: chr16-23607997-C-T. GRCh37 (hg19) VCF-style: chr16-23619318-C-T.
Other names: c.3157G>A, p.Val1053Ile (NM_001407296.1); c.3145G>A, p.Val1049Ile (NM_001407297.1); c.3055G>A, p.Val1019Ile (NM_001407298.1); c.2938G>A, p.Val980Ile (NM_001407300.1); c.2332G>A, p.Val778Ile (NM_001407304.1, NM_001407305.1, NM_001407306.1); c.2170G>A, p.Val724Ile (NM_001407307.1); c.1429G>A, p.Val477Ile (NM_001407312.1); c.751G>A, p.Val251Ile (NM_001407314.1); short protein forms V1019I, V1053I, V1073I, V251I, V724I, V778I, V980I, V1049I.
Identifiers: ClinVar variation 1729006 (VCV001729006.2), dbSNP rs1555458226, ClinGen allele CA395140079.

ClinVar aggregate classification (germline): Uncertain significance (1 of 4 stars; one submission).

Conditions:
Hereditary cancer-predisposing syndrome. Also called: Tumor predisposition; Neoplastic Syndromes, Hereditary; Hereditary Cancer Syndrome; Hereditary neoplastic syndrome. Identifiers: Orphanet 140162, MedGen C0027672, MeSH D009386, MONDO:0015356.

Submission:

Ambry Genetics
Classification: Uncertain significance for Hereditary cancer-predisposing syndrome. Last evaluated: 2021-08-06. Review status: criteria provided, single submitter. Criteria: Ambry Variant Classification Scheme 2023. Collection method: clinical testing. Allele origin: germline.
Comment: The p.V1073I variant (also known as c.3217G>A), located in coding exon 12 of the PALB2 gene, results from a G to A substitution at nucleotide position 3217. The valine at codon 1073 is replaced by isoleucine, an amino acid with highly similar properties. This amino acid position is conserved. In addition, this alteration is predicted to be tolerated by in silico analysis. Since supporting evidence is limited at this time, the clinical significance of this alteration remains unclear.